The following is an entry in ClinVar:

NM_000535.7(PMS2):c.1813G>C (p.Val605Leu)

Gene: PMS2 (PMS1 homolog 2, mismatch repair system component; minus strand). Cytogenetic location: 7p22.1.
Variant type: single nucleotide variant.
Coding change: c.1813G>C on transcript NM_000535.7 (MANE Select); coding-DNA position 1813, G replaced by C.
Protein change: p.Val605Leu; replaces valine 605 with leucine.
Molecular consequence: missense variant. On other transcripts: non-coding transcript variant (1), intron variant (1).
Genome position (GRCh38, 1-based): chr7:5,986,952, C>G on the plus strand (G>C on the coding strand, the complement: PMS2 is on the minus strand). VCF-style: chr7-5986952-C-G. GRCh37 (hg19) VCF-style: chr7-6026583-C-G.
Other names: c.1408G>C, p.Val470Leu (NM_001018040.1, NM_001322003.2, NM_001322004.2 and 17 more transcripts); c.1657G>C, p.Val553Leu (NM_001322006.2, NM_001406870.1); c.1504G>C, p.Val502Leu (NM_001406877.1, NM_001406878.1, NM_001406879.1 and 5 more transcripts); c.1495G>C, p.Val499Leu (NM_001406883.1, NM_001322007.2, NM_001322008.2 and 2 more transcripts); c.1489G>C, p.Val497Leu (NM_001406884.1); c.1477G>C, p.Val493Leu (NM_001406885.1); c.1252G>C, p.Val418Leu (NM_001322010.2, NM_001406906.1, NM_001406907.1); c.880G>C, p.Val294Leu (NM_001322011.2, NM_001322012.2); and 13 more; short protein forms V294L, V447L, V499L, V553L, V605L, V348L, V539L, V613L.
Identifiers: ClinVar variation 2767125 (VCV002767125.3), dbSNP rs1782971627, ClinGen allele CA366739727.
Genomic context (GRCh38, chr7:5,986,952, plus strand): 5'-AAGAACTCATAGAAAAGTCCAGGGGCACAACTTTCTTATTAATTTTCACAGCTACATCAA[C>G]CTGAGAGGCTGACATGTCCTGAGTATTTACTAACTTTTGACAAATGTCAGAACTGGAAAG-3'
Protein context (NP_000526.2, residues 595-615): VNTQDMSASQ[Val605Leu]DVAVKINKKV

ClinVar aggregate classification (germline): Uncertain significance (1 of 4 stars; one submission).

Conditions:
Hereditary nonpolyposis colorectal neoplasms. Identifiers: MedGen C0009405, MeSH D003123.

Submission:

Labcorp Genetics (formerly Invitae), Labcorp
Classification: Uncertain significance for Hereditary nonpolyposis colorectal neoplasms. Last evaluated: 2023-10-09. Review status: criteria provided, single submitter. Criteria: Invitae Variant Classification Sherloc (09022015). Collection method: clinical testing. Allele origin: germline.
Comment: This sequence change replaces valine, which is neutral and non-polar, with leucine, which is neutral and non-polar, at codon 605 of the PMS2 protein (p.Val605Leu). This variant is not present in population databases (gnomAD no frequency). This variant has not been reported in the literature in individuals affected with PMS2-related conditions. Advanced modeling of protein sequence and biophysical properties (such as structural, functional, and spatial information, amino acid conservation, physicochemical variation, residue mobility, and thermodynamic stability) has been performed at Invitae for this missense variant, however the output from this modeling did not meet the statistical confidence thresholds required to predict the impact of this variant on PMS2 protein function. In summary, the available evidence is currently insufficient to determine the role of this variant in disease. Therefore, it has been classified as a Variant of Uncertain Significance.